The following is an entry in ClinVar:

NM_020919.4(ALS2):c.2842-2A>G

Gene: ALS2 (alsin Rho guanine nucleotide exchange factor ALS2; minus strand). Cytogenetic location: 2q33.1.
Variant type: single nucleotide variant.
Coding change: c.2842-2A>G on transcript NM_020919.4 (MANE Select); the canonical splice acceptor site of the intron before coding-DNA position 2842, A replaced by G.
Molecular consequence: splice acceptor variant.
Genome position (GRCh38, 1-based): chr2:201,727,777, T>C on the plus strand (A>G on the coding strand, the complement: ALS2 is on the minus strand). VCF-style: chr2-201727777-T-C. GRCh37 (hg19) VCF-style: chr2-202592500-T-C.
Other names: c.2842-2A>G (NM_001410975.1).
Identifiers: ClinVar variation 1068121 (VCV001068121.9), dbSNP rs2106009582, ClinGen allele CA350322495.
Genomic context (GRCh38, chr2:201,727,777, plus strand): 5'-TCTTCAGACAGTGGCTCTGCCCACAGCGTGGCCAGAGGGAAAACATGGTGCGTGGAGAAC[T>C]GAAACAGAGAACACGGAGGCACTTTTATGAAAGCCCATGTAGACCTCGGGGACTCTGCCC-3'

ClinVar aggregate classification (germline): Likely pathogenic (1 of 4 stars; one submission).

Conditions:
Infantile-onset ascending hereditary spastic paralysis (IAHSP). Also called: Infantile-Onset Ascending Hereditary Spastic Paralysis (IAHSP); Autosomal Recessive Juvenile Amyotrophic Lateral Sclerosis. Identifiers: Orphanet 293168, MedGen C2931441, MONDO:0011797, OMIM 607225. Disease mechanism: loss of function.

gnomAD v4.1: 3 of 1,551,638 alleles (0.00019%); highest among the groups gnomAD compares: Non-Finnish European, 0.00026%; no homozygotes.

Submission:

Labcorp Genetics (formerly Invitae), Labcorp
Classification: Likely pathogenic for Infantile-onset ascending hereditary spastic paralysis. Last evaluated: 2020-10-09. Review status: criteria provided, single submitter. Criteria: Invitae Variant Classification Sherloc (09022015). Collection method: clinical testing. Allele origin: germline.
Comment: In summary, the currently available evidence indicates that the variant is pathogenic, but additional data are needed to prove that conclusively. Therefore, this variant has been classified as Likely Pathogenic. Donor and acceptor splice site variants typically lead to a loss of protein function (PMID: 16199547), and loss-of-function variants in ALS2 are known to be pathogenic (PMID: 11586298, 24315819). Algorithms developed to predict the effect of sequence changes on RNA splicing suggest that this variant may disrupt the consensus splice site, but this prediction has not been confirmed by published transcriptional studies. This variant has been observed in individual(s) with clinical features of hereditary spastic paraplegia (Invitae). This variant is not present in population databases (ExAC no frequency). This sequence change affects an acceptor splice site in intron 15 of the ALS2 gene. It is expected to disrupt RNA splicing and likely results in an absent or disrupted protein product.

Literature cited by the submitters: PubMed 16199547; PubMed 11586298; PubMed 24315819.